The following is an entry in ClinVar:

NM_000191.3(HMGCL):c.252+1G>C

Gene: HMGCL (3-hydroxy-3-methylglutaryl-CoA lyase; minus strand). Cytogenetic location: 1p36.11.
Variant type: single nucleotide variant.
Coding change: c.252+1G>C on transcript NM_000191.3 (MANE Select); the canonical splice donor site of the intron after coding-DNA position 252, G replaced by C.
Molecular consequence: splice donor variant.
Genome position (GRCh38, 1-based): chr1:23,817,475, C>G on the plus strand (G>C on the coding strand, the complement: HMGCL is on the minus strand). VCF-style: chr1-23817475-C-G. GRCh37 (hg19) VCF-style: chr1-24143965-C-G.
Other names: c.252+1G>C (NM_001166059.2).
Identifiers: ClinVar variation 2119216 (VCV002119216.4), dbSNP rs775218067, ClinGen allele CA339028919.

ClinVar aggregate classification (germline): Likely pathogenic (1 of 4 stars; one submission).

Conditions:
Deficiency of hydroxymethylglutaryl-CoA lyase (HMGCLD). Also called: Defect in leucine metabolism; 3-hydroxy-3-methylglutaric aciduria; HMG-CoA LYASE DEFICIENCY; HMGCL DEFICIENCY; HYDROXYMETHYLGLUTARIC ACIDURIA. Identifiers: Orphanet 20, MedGen C1533587, MONDO:0009520, OMIM 246450.

Submission:

Labcorp Genetics (formerly Invitae), Labcorp
Classification: Likely pathogenic for Deficiency of hydroxymethylglutaryl-CoA lyase. Last evaluated: 2022-04-21. Review status: criteria provided, single submitter. Criteria: Invitae Variant Classification Sherloc (09022015). Collection method: clinical testing. Allele origin: germline.
Comment: Experimental studies have shown that disruption of this splice site affects HMGCL function (PMID: 11129331). Algorithms developed to predict the effect of variants on protein structure and function are not available or were not evaluated for this variant. Disruption of this splice site has been observed in individual(s) with clinical features of 3-hydroxy-3-methylglutaryl-CoA lyase deficiency (PMID: 11129331, 19036343). This variant is not present in population databases (gnomAD no frequency). This sequence change affects a donor splice site in intron 3 of the HMGCL gene. RNA analysis indicates that disruption of this splice site induces altered splicing and likely results in a shortened protein product. In summary, the currently available evidence indicates that the variant is pathogenic, but additional data are needed to prove that conclusively. Therefore, this variant has been classified as Likely Pathogenic. Studies have shown that disruption of this splice site results in skipping of exon 3, but is expected to preserve the integrity of the reading-frame (PMID: 19036343).

Literature cited by the submitters: PubMed 11129331; PubMed 19036343.